The following is an entry in ClinVar:

NM_080473.5(GATA5):c.242A>C (p.His81Pro)

Gene: GATA5 (GATA binding protein 5; minus strand). Cytogenetic location: 20q13.33.
Variant type: single nucleotide variant.
Coding change: c.242A>C on transcript NM_080473.5 (MANE Select); coding-DNA position 242, A replaced by C.
Protein change: p.His81Pro; replaces histidine 81 with proline.
Molecular consequence: missense variant.
Genome position (GRCh38, 1-based): chr20:62,475,280, T>G on the plus strand (A>C on the coding strand, the complement: GATA5 is on the minus strand). VCF-style: chr20-62475280-T-G. GRCh37 (hg19) VCF-style: chr20-61050336-T-G.
Other names: c.242A>C (NM_080473.4); short protein forms H81P.
Identifiers: ClinVar variation 1435443 (VCV001435443.9), dbSNP rs1459727785, ClinGen allele CA409557236.

ClinVar aggregate classification (germline): Uncertain significance. Review status: criteria provided, multiple submitters, no conflicts (2 of 4 stars). 3 submissions from 3 submitters: Uncertain significance (3). Last evaluated 2026-02-24.

Allele frequency attached by ClinVar (database versions not stated): gnomAD 0.00006 and 0.00007; gnomAD exomes 0.00010.
gnomAD v4.1: 113 of 1,244,260 alleles (0.0091%); highest among the groups gnomAD compares: African/African-American, 0.011%; no homozygotes.

Submissions (3):

GeneDx
Classification: Uncertain significance. Last evaluated: 2026-02-24. Review status: criteria provided, single submitter. Criteria: GeneDx Variant Classification Process June 2021. Collection method: clinical testing. Allele origin: germline.
Comment: Not observed at significant frequency in large population cohorts (gnomAD); In silico analysis suggests that this missense variant does not alter protein structure/function; Has not been previously published as pathogenic or benign to our knowledge

Labcorp Genetics (formerly Invitae), Labcorp
Classification: Uncertain significance. Last evaluated: 2025-10-08. Review status: criteria provided, single submitter. Criteria: Invitae Variant Classification Sherloc (09022015). Collection method: clinical testing. Allele origin: germline.
Comment: This sequence change replaces histidine, which is basic and polar, with proline, which is neutral and non-polar, at codon 81 of the GATA5 protein (p.His81Pro). This variant is present in population databases (no rsID available, gnomAD 0.01%). This variant has not been reported in the literature in individuals affected with GATA5-related conditions. ClinVar contains an entry for this variant (Variation ID: 1435443). Invitae Evidence Modeling of protein sequence and biophysical properties (such as structural, functional, and spatial information, amino acid conservation, physicochemical variation, residue mobility, and thermodynamic stability) indicates that this missense variant is not expected to disrupt GATA5 protein function with a negative predictive value of 80%. In summary, the available evidence is currently insufficient to determine the role of this variant in disease. Therefore, it has been classified as a Variant of Uncertain Significance.

Ambry Genetics
Classification: Uncertain significance. Last evaluated: 2025-08-05. Review status: criteria provided, single submitter. Criteria: Ambry Variant Classification Scheme 2023. Collection method: clinical testing. Allele origin: germline.